The following is an entry in ClinVar:

ClinVar aggregate classification (germline): Uncertain significance. Review status: criteria provided, multiple submitters, no conflicts (2 of 4 stars). 2 submissions from 2 submitters: Uncertain significance (2). Last evaluated 2025-05-23.

Conditions:
Hereditary cancer-predisposing syndrome. Also called: Hereditary neoplastic syndrome; Tumor predisposition; Neoplastic Syndromes, Hereditary; Hereditary Cancer Syndrome. Identifiers: Orphanet 140162, MedGen C0027672, MeSH D009386, MONDO:0015356.
Hereditary diffuse gastric adenocarcinoma (HDGC). Also called: DIFFUSE GASTRIC AND LOBULAR BREAST CANCER SYNDROME. Identifiers: Orphanet 26106, MedGen C1708349, MONDO:0007648, OMIM 137215.

Allele frequency attached by ClinVar (database versions not stated): ExAC 0.00001.

Submissions (2):

Ambry Genetics
Classification: Uncertain significance for Hereditary cancer-predisposing syndrome. Last evaluated: 2025-05-23. Review status: criteria provided, single submitter. Criteria: Ambry Variant Classification Scheme 2023. Collection method: clinical testing. Allele origin: germline.
Comment: The p.P744S variant (also known as c.2230C>T), located in coding exon 14 of the CDH1 gene, results from a C to T substitution at nucleotide position 2230. The proline at codon 744 is replaced by serine, an amino acid with similar properties. This amino acid position is conserved. In addition, this alteration is predicted to be tolerated by in silico analysis. Based on the available evidence, the clinical significance of this variant remains unclear.

Labcorp Genetics (formerly Invitae), Labcorp
Classification: Uncertain significance for Hereditary diffuse gastric adenocarcinoma. Last evaluated: 2022-08-01. Review status: criteria provided, single submitter. Criteria: Invitae Variant Classification Sherloc (09022015). Collection method: clinical testing. Allele origin: germline.
Comment: In summary, the available evidence is currently insufficient to determine the role of this variant in disease. Therefore, it has been classified as a Variant of Uncertain Significance. This sequence change replaces proline, which is neutral and non-polar, with serine, which is neutral and polar, at codon 744 of the CDH1 protein (p.Pro744Ser). This variant is present in population databases (rs761146693, gnomAD 0.0009%). This variant has not been reported in the literature in individuals affected with CDH1-related conditions. Algorithms developed to predict the effect of missense changes on protein structure and function are either unavailable or do not agree on the potential impact of this missense change (SIFT: "Deleterious"; PolyPhen-2: "Probably Damaging"; Align-GVGD: "Class C0").

NM_004360.5(CDH1):c.2230C>T (p.Pro744Ser)

Gene: CDH1 (cadherin 1; plus strand). Cytogenetic location: 16q22.1.
Variant type: single nucleotide variant.
Coding change: c.2230C>T on transcript NM_004360.5 (MANE Select); coding-DNA position 2230, C replaced by T.
Protein change: p.Pro744Ser; replaces proline 744 with serine.
Molecular consequence: missense variant.
Genome position (GRCh38, 1-based): chr16:68,828,239, C>T. VCF-style: chr16-68828239-C-T. GRCh37 (hg19) VCF-style: chr16-68862142-C-T.
Other names: c.2047C>T, p.Pro683Ser (NM_001317184.2); c.682C>T, p.Pro228Ser (NM_001317185.2); c.265C>T, p.Pro89Ser (NM_001317186.2); short protein forms P228S, P683S, P744S, P89S.
Identifiers: ClinVar variation 1714989 (VCV001714989.7), dbSNP rs761146693, ClinGen allele CA8130233.